The following is an entry in ClinVar:

ClinVar aggregate classification (germline): Uncertain significance (1 of 4 stars; one submission).

Allele frequency attached by ClinVar (database versions not stated): gnomAD exomes below 0.00001.
gnomAD v4.1: 2 of 1,613,932 alleles (0.00012%); highest among the groups gnomAD compares: Non-Finnish European, 0.00017%; no homozygotes.

Submission:

Labcorp Genetics (formerly Invitae), Labcorp
Classification: Uncertain significance. Last evaluated: 2025-03-17. Review status: criteria provided, single submitter. Criteria: Invitae Variant Classification Sherloc (09022015). Collection method: clinical testing. Allele origin: germline.
Comment: This sequence change replaces glutamic acid, which is acidic and polar, with valine, which is neutral and non-polar, at codon 1729 of the VCAN protein (p.Glu1729Val). This variant is present in population databases (no rsID available, gnomAD 0.0009%). This variant has not been reported in the literature in individuals affected with VCAN-related conditions. ClinVar contains an entry for this variant (Variation ID: 2792001). An algorithm developed to predict the effect of missense changes on protein structure and function outputs the following: PolyPhen-2: "Benign". The valine amino acid residue is found in multiple mammalian species, which suggests that this missense change does not adversely affect protein function. In summary, the available evidence is currently insufficient to determine the role of this variant in disease. Therefore, it has been classified as a Variant of Uncertain Significance.

NM_004385.5(VCAN):c.5186A>T (p.Glu1729Val)

Genes: VCAN (versican; plus strand), VCAN-AS1 (VCAN antisense RNA 1; minus strand). Cytogenetic location: 5q14.3.
Variant type: single nucleotide variant.
Coding change: c.5186A>T on transcript NM_004385.5 (MANE Select); coding-DNA position 5186, A replaced by T.
Protein change: p.Glu1729Val; replaces glutamic acid 1729 with valine.
Molecular consequence: missense variant. On other transcripts: intron variant (2).
Genome position (GRCh38, 1-based): chr5:83,538,189, A>T. VCF-style: chr5-83538189-A-T. GRCh37 (hg19) VCF-style: chr5-82834008-A-T.
Other names: c.2225A>T, p.Glu742Val (NM_001164097.2); c.4004-7348A>T (NM_001164098.2); c.1043-7348A>T (NM_001126336.3); short protein forms E1729V, E742V.
Identifiers: ClinVar variation 2792001 (VCV002792001.3), dbSNP rs1317363446, ClinGen allele CA360309868.